The following is an entry in ClinVar:

NM_001177316.2(SLC34A3):c.560+25dup

Gene: SLC34A3 (solute carrier family 34 member 3; plus strand). Cytogenetic location: 9q34.3.
Variant type: Duplication.
Coding change: c.560+25dup on transcript NM_001177316.2 (MANE Select); 25 bases into the intron after coding-DNA position 560, one base duplicated (G; older notation c.560+25dupG).
Molecular consequence: intron variant.
Genome position (GRCh38, 1-based): chr9:137,233,140, G duplicated; the last of 3 consecutive G bases (chr9:137,233,138-137,233,140); duplicating any one gives the same sequence. VCF-style (leftmost placement, unchanged base first): chr9-137233137-T-TG. GRCh37 (hg19) VCF-style: chr9-140127589-T-TG.
Other names: c.560+25dup (NM_001177317.2, NM_080877.3).
Identifiers: ClinVar variation 4998271 (VCV004998271.1).
Genomic context (GRCh38, chr9:137,233,137, plus strand): 5'-CTCAATGGCGCAGTCAGGGGACCGGGATGAATTTCAGAGGTGAGTTGTGGGTGGAAGGGC[T>TG]GGGCTGGGGCTGCAGTGGCAGCCCCAGCCCGGGCCCCCCCACCTGACCCTGCCCACTCTC-3'

ClinVar aggregate classification (germline): Likely benign (1 of 4 stars; one submission).

Conditions:
SLC34A3-related disorder. Also called: SLC34A3-related condition.

Submission:

PreventionGenetics, part of Exact Sciences
Classification: Likely benign for SLC34A3-related condition. Last evaluated: 2024-12-26. Review status: criteria provided, single submitter. Criteria: ACMG Guidelines, 2015. Collection method: clinical testing. Allele origin: germline.
Comment: This variant is classified as likely benign based on ACMG/AMP sequence variant interpretation guidelines (Richards et al. 2015 PMID: 25741868, with internal and published modifications).